The following is an entry in ClinVar:

ClinVar aggregate classification (germline): Uncertain significance (1 of 4 stars; one submission).

Allele frequency attached by ClinVar (database versions not stated): TOPMed below 0.00001; gnomAD exomes below 0.00001.

Submission:

GeneDx
Classification: Uncertain significance. Last evaluated: 2016-06-09. Review status: criteria provided, single submitter. Criteria: GeneDx Variant Classification (06012015). Collection method: clinical testing. Allele origin: germline. Affected: yes.
Comment: p.Met942Ile (ATG>ATA): c.2826 G>A in exon 18 of the CNTNAP2 gene (NM_014141.5). The M942I variant has not been published as a mutation, nor has it been reported as a benign polymorphism to our knowledge. It was not observed in approximately 6,500 individuals of European and African American ancestry in the NHLBI Exome Sequencing Project, indicating it is not a common benign variant in these populations. This substitution occurs at a highly conserved position predicted to be within the Laminin G-like 3 domain of the CNTNAP2 protein. However, the M942I variant is a conservative amino acid substitution, which is not likely to impact secondary protein structure as these residues share similar properties. In silico analysis is inconsistent in its predictions as to whether or not the variant is damaging to the protein structure/function. Therefore, based on the currently available information, it is unclear whether this variant is a pathogenic mutation or a rare benign variant. The variant is found in EPILEPSY panel(s).

NM_014141.6(CNTNAP2):c.2826G>A (p.Met942Ile)

Genes: CNTNAP2 (contactin associated protein 2; plus strand), LOC126860216 (BRD4-independent group 4 enhancer GRCh37_chr7:147868766-147869965; plus strand). Cytogenetic location: 7q35.
Variant type: single nucleotide variant.
Coding change: c.2826G>A on transcript NM_014141.6 (MANE Select); coding-DNA position 2826, G replaced by A.
Protein change: p.Met942Ile; replaces methionine 942 with isoleucine.
Molecular consequence: missense variant.
Genome position (GRCh38, 1-based): chr7:148,172,294, G>A. VCF-style: chr7-148172294-G-A. GRCh37 (hg19) VCF-style: chr7-147869386-G-A.
Other names: p.M942I:ATG>ATA; short protein forms M942I.
Identifiers: ClinVar variation 205274 (VCV000205274.2), dbSNP rs796052380, ClinGen allele CA314182.